The following is an entry in ClinVar:

ClinVar aggregate classification (germline): Uncertain significance (1 of 4 stars; one submission).

Conditions:
Ullrich congenital muscular dystrophy 2 (UCMD2). Identifiers: Orphanet 75840, MedGen C4225314, MONDO:0014654, OMIM 616470.
Bethlem myopathy 2 (BTHLM2). Identifiers: Orphanet 536516, Orphanet 610, MedGen C4225313, MONDO:0034022, OMIM 616471.

Allele frequency attached by ClinVar (database versions not stated): gnomAD 0.00004; gnomAD exomes 0.00002 and 0.00005; ExAC 0.00004; TOPMed 0.00002.

Submission:

Labcorp Genetics (formerly Invitae), Labcorp
Classification: Uncertain significance for Bethlem myopathy 2; Ullrich congenital muscular dystrophy 2. Last evaluated: 2026-01-28. Review status: criteria provided, single submitter. Criteria: Invitae Variant Classification Sherloc (09022015). Collection method: clinical testing. Allele origin: germline.
Comment: This sequence change replaces phenylalanine, which is neutral and non-polar, with serine, which is neutral and polar, at codon 1692 of the COL12A1 protein (p.Phe1692Ser). This variant is present in population databases (rs759692428, gnomAD 0.005%). This variant has not been reported in the literature in individuals affected with COL12A1-related conditions. ClinVar contains an entry for this variant (Variation ID: 644565). Invitae Evidence Modeling of protein sequence and biophysical properties (such as structural, functional, and spatial information, amino acid conservation, physicochemical variation, residue mobility, and thermodynamic stability) indicates that this missense variant is not expected to disrupt COL12A1 protein function with a negative predictive value of 80%. In summary, the available evidence is currently insufficient to determine the role of this variant in disease. Therefore, it has been classified as a Variant of Uncertain Significance.

NM_004370.6(COL12A1):c.5075T>C (p.Phe1692Ser)

Gene: COL12A1 (collagen type XII alpha 1 chain; minus strand). Cytogenetic location: 6q13.
Variant type: single nucleotide variant.
Coding change: c.5075T>C on transcript NM_004370.6 (MANE Select); coding-DNA position 5075, T replaced by C.
Protein change: p.Phe1692Ser; replaces phenylalanine 1692 with serine.
Molecular consequence: missense variant.
Genome position (GRCh38, 1-based): chr6:75,138,844, A>G on the plus strand (T>C on the coding strand, the complement: COL12A1 is on the minus strand). VCF-style: chr6-75138844-A-G. GRCh37 (hg19) VCF-style: chr6-75848560-A-G.
Other names: c.1583T>C, p.Phe528Ser (NM_080645.3); short protein forms F1692S, F528S.
Identifiers: ClinVar variation 644565 (VCV000644565.7), dbSNP rs759692428, ClinGen allele CA3893271.